The following is an entry in ClinVar:

NM_001077365.2(POMT1):c.344C>T (p.Ser115Leu)

Gene: POMT1 (protein O-mannosyltransferase 1; plus strand). Cytogenetic location: 9q34.13.
Variant type: single nucleotide variant.
Coding change: c.344C>T on transcript NM_001077365.2 (MANE Select); coding-DNA position 344, C replaced by T.
Protein change: p.Ser115Leu; replaces serine 115 with leucine.
Molecular consequence: missense variant. On other transcripts: 5 prime UTR variant (5), non-coding transcript variant (9), intron variant (2).
Genome position (GRCh38, 1-based): chr9:131,507,431, C>T. VCF-style: chr9-131507431-C-T. GRCh37 (hg19) VCF-style: chr9-134382818-C-T.
Other names: c.182C>T, p.Ser61Leu (NM_001077366.2, NM_001353194.2, NM_001353197.2 and 3 more transcripts); c.344C>T, p.Ser115Leu (NM_001136113.2, NM_001353193.2, NM_001374690.1 and 1 more transcripts); c.-8C>T (NM_001136114.2, NM_001353195.2, NM_001353199.2 and 2 more transcripts); c.254C>T, p.Ser85Leu (NM_001353196.2); c.-29-1480C>T (NM_001374695.1); c.-30+978C>T (NM_001353200.2); short protein forms S61L, S115L, S85L.
Identifiers: ClinVar variation 2066612 (VCV002066612.1), dbSNP rs1210438872, ClinGen allele CA375306325.

ClinVar aggregate classification (germline): Uncertain significance (1 of 4 stars; one submission).

Conditions:
Muscular dystrophy-dystroglycanopathy (congenital with impaired intellectual development), type B, 1. Also called: Muscular dystrophy-dystroglycanopathy (congenital with intellectual disability), type B1; MUSCULAR DYSTROPHY, CONGENITAL, POMT1-RELATED. Identifiers: MedGen C5436962, MONDO:0013159, OMIM 613155.
Walker-Warburg congenital muscular dystrophy. Also called: Muscular dystrophy-dystroglycanopathy, type A; Walker-Warburg syndrome. Identifiers: Orphanet 899, MedGen C0265221, MONDO:0000171.
Autosomal recessive limb-girdle muscular dystrophy type 2K. Also called: MUSCULAR DYSTROPHY-DYSTROGLYCANOPATHY (LIMB-GIRDLE), TYPE C, 1; MUSCULAR DYSTROPHY, LIMB-GIRDLE, TYPE 2K. Identifiers: Orphanet 86812, MedGen C1836373, MONDO:0012248, OMIM 609308.

Allele frequency attached by ClinVar (database versions not stated): TOPMed below 0.00001; gnomAD exomes 0.00001.
gnomAD v4.1: 18 of 1,614,178 alleles (0.0011%); highest among the groups gnomAD compares: South Asian, 0.0033%; no homozygotes.

Submission:

Labcorp Genetics (formerly Invitae), Labcorp
Classification: Uncertain significance for Muscular dystrophy-dystroglycanopathy (congenital with impaired intellectual development), type B, 1; Walker-Warburg congenital muscular dystrophy; Autosomal recessive limb-girdle muscular dystrophy type 2K. Last evaluated: 2022-05-12. Review status: criteria provided, single submitter. Criteria: Invitae Variant Classification Sherloc (09022015). Collection method: clinical testing. Allele origin: germline.
Comment: This sequence change replaces serine, which is neutral and polar, with leucine, which is neutral and non-polar, at codon 115 of the POMT1 protein (p.Ser115Leu). This variant is present in population databases (no rsID available, gnomAD 0.003%). This variant has not been reported in the literature in individuals affected with POMT1-related conditions. Algorithms developed to predict the effect of missense changes on protein structure and function output the following: SIFT: "Tolerated"; PolyPhen-2: "Benign"; Align-GVGD: "Class C0". The leucine amino acid residue is found in multiple mammalian species, which suggests that this missense change does not adversely affect protein function. In summary, the available evidence is currently insufficient to determine the role of this variant in disease. Therefore, it has been classified as a Variant of Uncertain Significance.